The following is an entry in ClinVar:

NM_181882.3(PRX):c.4172G>A (p.Arg1391Gln)

Gene: PRX (periaxin; minus strand). Cytogenetic location: 19q13.2.
Variant type: single nucleotide variant.
Coding change: c.4172G>A on transcript NM_181882.3 (MANE Select); coding-DNA position 4172, G replaced by A.
Protein change: p.Arg1391Gln; replaces arginine 1391 with glutamine.
Molecular consequence: missense variant. On other transcripts: 3 prime UTR variant (1).
Genome position (GRCh38, 1-based): chr19:40,394,180, C>T on the plus strand (G>A on the coding strand, the complement: PRX is on the minus strand). VCF-style: chr19-40394180-C-T. GRCh37 (hg19) VCF-style: chr19-40900087-C-T.
Other names: c.*4377G>A (NM_020956.2); short protein forms R1391Q.
Identifiers: ClinVar variation 1685045 (VCV001685045.4), dbSNP rs917161355, ClinGen allele CA308415748.

ClinVar aggregate classification (germline): Uncertain significance. Review status: criteria provided, multiple submitters, no conflicts (2 of 4 stars). 4 submissions from 4 submitters: Uncertain significance (4). Last evaluated 2025-07-27.

Conditions:
Charcot-Marie-Tooth disease type 4. Also called: Charcot-Marie-Tooth, Type 4; Charcot-Marie-Tooth disease, type IV. Identifiers: Orphanet 64749, MedGen C4082197, MONDO:0018995.

Allele frequency attached by ClinVar (database versions not stated): 1000 Genomes Project 30x 0.00016.
gnomAD v4.1: 23 of 1,587,436 alleles (0.0014%); highest among the groups gnomAD compares: Admixed American, 0.007%; no homozygotes.

Submissions (4):

Labcorp Genetics (formerly Invitae), Labcorp
Classification: Uncertain significance for Charcot-Marie-Tooth disease type 4. Last evaluated: 2025-07-27. Review status: criteria provided, single submitter. Criteria: Invitae Variant Classification Sherloc (09022015). Collection method: clinical testing. Allele origin: germline.
Comment: This sequence change replaces arginine, which is basic and polar, with glutamine, which is neutral and polar, at codon 1391 of the PRX protein (p.Arg1391Gln). This variant is present in population databases (no rsID available, gnomAD 0.004%). This variant has not been reported in the literature in individuals affected with PRX-related conditions. ClinVar contains an entry for this variant (Variation ID: 1685045). Invitae Evidence Modeling of protein sequence and biophysical properties (such as structural, functional, and spatial information, amino acid conservation, physicochemical variation, residue mobility, and thermodynamic stability) indicates that this missense variant is not expected to disrupt PRX protein function with a negative predictive value of 80%. In summary, the available evidence is currently insufficient to determine the role of this variant in disease. Therefore, it has been classified as a Variant of Uncertain Significance.

ARUP Laboratories, Molecular Genetics and Genomics, ARUP Laboratories
Classification: Uncertain significance. Last evaluated: 2023-12-20. Review status: criteria provided, single submitter. Criteria: ARUP Molecular Germline Variant Investigation Process 2024. Collection method: clinical testing. Allele origin: germline.
Comment: The PRX c.4172G>A; p.Arg1391Gln variant (rs917161355), to our knowledge, is not reported in the medical literature but is reported in ClinVar (Variation ID: 1685045). This variant is observed in the general population with an overall allele frequency of 0.0009% (2/234346 alleles) in the Genome Aggregation Database (v2.1.1). Computational analyses predict that this variant is neutral (REVEL: 0.024). Due to limited information, the clinical significance of this variant is uncertain at this time.

Mendelics
Classification: Uncertain significance. Last evaluated: 2022-05-04. Review status: criteria provided, single submitter. Criteria: Mendelics Assertion Criteria 2019. Collection method: clinical testing. Allele origin: germline.

Breakthrough Genomics
Classification: Uncertain significance. Review status: criteria provided, single submitter. Criteria: ACMG Guidelines, 2015. Collection method: not provided. Allele origin: germline. Inheritance: Autosomal dominant inheritance. Affected: yes.